The following is an entry in ClinVar:

NM_016156.6(MTMR2):c.1770+7_1770+19delinsC

Gene: MTMR2 (myotubularin related protein 2; minus strand). Cytogenetic location: 11q21.
Variant type: Indel.
Coding change: c.1770+7_1770+19delinsC on transcript NM_016156.6 (MANE Select); bases 7 to 19 of the intron after coding-DNA position 1770, GCCTTACAATATA replaced by C.
Molecular consequence: intron variant.
Genome position (GRCh38, 1-based): chr11:95,836,129-95,836,141, TATATTGTAAGGC replaced by G on the plus strand (GCCTTACAATATA replaced by C on the coding strand, the reverse complement: MTMR2 is on the minus strand). VCF-style: chr11-95836129-TATATTGTAAGGC-G. GRCh37 (hg19) VCF-style: chr11-95569293-TATATTGTAAGGC-G.
Other names: p.?; c.1554+7_1554+19delinsC (NM_201281.3, NM_201278.3, NM_001243571.2); c.1770+7_1770+19delGCCTTACAATATAinsC (NM_016156.5); c.1770+7_1770+19delinsC (NM_016156.5).
Identifiers: ClinVar variation 418333 (VCV000418333.4), dbSNP rs1555056865, ClinGen allele CA16619417.

ClinVar aggregate classification (germline): Conflicting classifications of pathogenicity. Review status: criteria provided, conflicting classifications (1 of 4 stars). 4 submissions from 4 submitters: Uncertain significance (1); Likely benign (3). Last evaluated 2024-10-22.

Conditions:
Charcot-Marie-Tooth disease. Also called: Charcot-Marie-Tooth Neuropathy; Charcot-Marie-Tooth Hereditary Neuropathy. Identifiers: Orphanet 166, MedGen C0007959, MONDO:0015626.

Submissions (4):

Mayo Clinic Laboratories, Mayo Clinic
Classification: Likely benign. Last evaluated: 2024-10-22. Review status: criteria provided, single submitter. Criteria: ACMG Guidelines, 2015. Collection method: clinical testing. Allele origin: germline. Observed: 1 variant allele.
Comment: BP4, BP7

Athena Diagnostics
Classification: Uncertain significance. Last evaluated: 2022-11-01. Review status: criteria provided, single submitter. Criteria: Athena Diagnostics Criteria. Collection method: clinical testing. Allele origin: unknown.
Comment: Available data are insufficient to determine the clinical significance of the variant at this time. This variant has not been reported in large, multi-ethnic general populations. Computational tools yielded predictions that this variant is unlikely to have an effect on normal RNA splicing.

GeneDx
Classification: Likely benign. Last evaluated: 2017-02-10. Review status: criteria provided, single submitter. Criteria: GeneDx Variant Classification (06012015). Collection method: clinical testing. Allele origin: germline. Affected: yes.
Comment: This variant is considered likely benign or benign based on one or more of the following criteria: it is a conservative change, it occurs at a poorly conserved position in the protein, it is predicted to be benign by multiple in silico algorithms, and/or has population frequency not consistent with disease.

Molecular Genetics Laboratory, London Health Sciences Centre
Classification: Likely benign for Charcot-Marie-Tooth disease. Review status: criteria provided, single submitter. Criteria: ACMG Guidelines, 2015. Collection method: clinical testing. Allele origin: germline. Affected: yes.